The following is an entry in ClinVar:

NM_002661.5(PLCG2):c.704G>A (p.Arg235Lys)

Gene: PLCG2 (phospholipase C gamma 2; plus strand). Cytogenetic location: 16q23.3.
Variant type: single nucleotide variant.
Coding change: c.704G>A on transcript NM_002661.5 (MANE Select); coding-DNA position 704, G replaced by A.
Protein change: p.Arg235Lys; replaces arginine 235 with lysine.
Molecular consequence: missense variant.
Genome position (GRCh38, 1-based): chr16:81,883,280, G>A. VCF-style: chr16-81883280-G-A. GRCh37 (hg19) VCF-style: chr16-81916885-G-A.
Other names: c.704G>A, p.Arg235Lys (NM_001425749.1, NM_001425750.1, NM_001425751.1); short protein forms R235K.
Identifiers: ClinVar variation 3639798 (VCV003639798.2).

ClinVar aggregate classification (germline): Uncertain significance (1 of 4 stars; one submission).

Conditions:
Familial cold autoinflammatory syndrome 3 (FCAS3). Also called: FAMILIAL ATYPICAL COLD URTICARIA; ANTIBODY DEFICIENCY AND IMMUNE DYSREGULATION, PLCG2-ASSOCIATED. Identifiers: Orphanet 300359, MedGen C3280914, MONDO:0013766, OMIM 614468.

gnomAD v4.1: 13 of 1,614,138 alleles (0.00081%); highest among the groups gnomAD compares: Non-Finnish European, 0.001%; no homozygotes.

Submission:

Labcorp Genetics (formerly Invitae), Labcorp
Classification: Uncertain significance for Familial cold autoinflammatory syndrome 3. Last evaluated: 2025-11-25. Review status: criteria provided, single submitter. Criteria: Invitae Variant Classification Sherloc (09022015). Collection method: clinical testing. Allele origin: germline.
Comment: This sequence change replaces arginine, which is basic and polar, with lysine, which is basic and polar, at codon 235 of the PLCG2 protein (p.Arg235Lys). This variant is present in population databases (no rsID available, gnomAD 0.002%). This variant has not been reported in the literature in individuals affected with PLCG2-related conditions. ClinVar contains an entry for this variant (Variation ID: 3639798). An algorithm developed to predict the effect of missense changes on protein structure and function (PolyPhen-2) suggests that this variant is likely to be tolerated. In summary, the available evidence is currently insufficient to determine the role of this variant in disease. Therefore, it has been classified as a Variant of Uncertain Significance.